The following is an entry in ClinVar:

ClinVar aggregate classification (germline): Likely benign (1 of 4 stars; one submission).

Submission:

CeGaT Center for Human Genetics Tuebingen
Classification: Likely benign. Last evaluated: 2023-11-01. Review status: criteria provided, single submitter. Criteria: CeGaT Center For Human Genetics Tuebingen Variant Classification Criteria Version 2. Collection method: clinical testing. Allele origin: germline. Affected: yes. Observed: 2 variant alleles.
Comment: HCFC1: PM2:Supporting, BP4, BP7

NM_005334.3(HCFC1):c.4620C>T (p.Thr1540=)

Gene: HCFC1 (host cell factor C1; minus strand). Cytogenetic location: Xq28.
Variant type: single nucleotide variant.
Coding change: c.4620C>T on transcript NM_005334.3 (MANE Select); coding-DNA position 4620, C replaced by T.
Protein change: p.Thr1540=; no amino-acid change (threonine 1540 retained).
Molecular consequence: synonymous variant.
Genome position (GRCh38, 1-based): chrX:153,952,836, G>A on the plus strand (C>T on the coding strand, the complement: HCFC1 is on the minus strand). VCF-style: chrX-153952836-G-A. GRCh37 (hg19) VCF-style: chrX-153218287-G-A.
Other names: c.4752C>T, p.Thr1584= (NM_001410705.1).
Identifiers: ClinVar variation 2661766 (VCV002661766.24), dbSNP rs1203879125, ClinGen allele CA519700313.